The following is an entry in ClinVar:

NM_152564.5(VPS13B):c.11726G>A (p.Arg3909Lys)

Gene: VPS13B (vacuolar protein sorting 13 homolog B; plus strand). Cytogenetic location: 8q22.2.
Variant type: single nucleotide variant.
Coding change: c.11726G>A on transcript NM_152564.5 (MANE Select); coding-DNA position 11726, G replaced by A.
Protein change: p.Arg3909Lys; replaces arginine 3909 with lysine.
Molecular consequence: missense variant.
Genome position (GRCh38, 1-based): chr8:99,871,678, G>A. VCF-style: chr8-99871678-G-A. GRCh37 (hg19) VCF-style: chr8-100883906-G-A.
Other names: c.11801G>A, p.Arg3934Lys (NM_017890.5); short protein forms R3909K, R3934K.
Identifiers: ClinVar variation 4976456 (VCV004976456.1).
Genomic context (GRCh38, chr8:99,871,678, plus strand): 5'-TCGACTGTGCACAGGACAGCAAGCAGAACAACTTACTCACAGTGCAGCTCAAGCAGCCAA[G>A]AGTGGCCTGTGATGTGGAGGTACGTTTCAGAAAACAGGGCAACCAAGACTAGCTGGCCAG-3'
Protein context (NP_689777.3, residues 3899-3919): NLLTVQLKQP[Arg3909Lys]VACDVEVDGV

ClinVar aggregate classification (germline): Uncertain significance (1 of 4 stars; one submission).

Submission:

GeneDx
Classification: Uncertain significance. Last evaluated: 2026-02-13. Review status: criteria provided, single submitter. Criteria: GeneDx Variant Classification Process June 2021. Collection method: clinical testing. Allele origin: germline.
Comment: Not observed at significant frequency in large population cohorts (gnomAD); In silico analysis suggests that this missense variant does not alter protein structure/function; Has not been previously published as pathogenic or benign to our knowledge